The following is an entry in ClinVar:

NM_001323289.2(CDKL5):c.2219C>T (p.Pro740Leu)

Gene: CDKL5 (cyclin dependent kinase like 5; plus strand). Cytogenetic location: Xp22.13.
Variant type: single nucleotide variant.
Coding change: c.2219C>T on transcript NM_001323289.2 (MANE Select); coding-DNA position 2219, C replaced by T.
Protein change: p.Pro740Leu; replaces proline 740 with leucine.
Molecular consequence: missense variant.
Genome position (GRCh38, 1-based): chrX:18,613,218, C>T. VCF-style: chrX-18613218-C-T. GRCh37 (hg19) VCF-style: chrX-18631338-C-T.
Other names: c.2219C>T, p.Pro740Leu (NM_001037343.2, NM_003159.3); short protein forms P740L.
Identifiers: ClinVar variation 1351175 (VCV001351175.8), dbSNP rs2147167595, ClinGen allele CA412368240.

ClinVar aggregate classification (germline): Uncertain significance (1 of 4 stars; one submission).

Conditions:
Angelman syndrome-like. Identifiers: MedGen CN128785.
Developmental and epileptic encephalopathy, 2 (DEE2). Also called: INFANTILE SPASM SYNDROME, X-LINKED 2; CDKL5 deficiency disorder. Identifiers: Orphanet 1934, Orphanet 3451, Orphanet 505652, MedGen C4750718, MONDO:0010396, OMIM 300672.

Submission:

Labcorp Genetics (formerly Invitae), Labcorp
Classification: Uncertain significance for Developmental and epileptic encephalopathy, 2; Angelman syndrome-like. Last evaluated: 2021-05-04. Review status: criteria provided, single submitter. Criteria: Invitae Variant Classification Sherloc (09022015). Collection method: clinical testing. Allele origin: germline.
Comment: This variant has not been reported in the literature in individuals with CDKL5-related conditions. In summary, the available evidence is currently insufficient to determine the role of this variant in disease. Therefore, it has been classified as a Variant of Uncertain Significance. Advanced modeling of protein sequence and biophysical properties (such as structural, functional, and spatial information, amino acid conservation, physicochemical variation, residue mobility, and thermodynamic stability) performed at Invitae indicates that this missense variant is not expected to disrupt CDKL5 protein function. This variant is not present in population databases (ExAC no frequency). This sequence change replaces proline with leucine at codon 740 of the CDKL5 protein (p.Pro740Leu). The proline residue is highly conserved and there is a moderate physicochemical difference between proline and leucine.